The following is an entry in ClinVar:

NM_018122.5(DARS2):c.503C>T (p.Ala168Val)

Gene: DARS2 (aspartyl-tRNA synthetase 2, mitochondrial; plus strand). Cytogenetic location: 1q25.1.
Variant type: single nucleotide variant.
Coding change: c.503C>T on transcript NM_018122.5 (MANE Select); coding-DNA position 503, C replaced by T.
Protein change: p.Ala168Val; replaces alanine 168 with valine.
Molecular consequence: missense variant.
Genome position (GRCh38, 1-based): chr1:173,833,386, C>T. VCF-style: chr1-173833386-C-T. GRCh37 (hg19) VCF-style: chr1-173802524-C-T.
Other names: c.503C>T, p.Ala168Val (NM_001365212.1, NM_001365213.2); short protein forms A168V.
Identifiers: ClinVar variation 1303533 (VCV001303533.2), dbSNP rs760503098, ClinGen allele CA32768787.

ClinVar aggregate classification (germline): Uncertain significance (1 of 4 stars; one submission).

Submission:

GeneDx
Classification: Uncertain significance. Last evaluated: 2020-07-20. Review status: criteria provided, single submitter. Criteria: GeneDx Variant Classification Process June 2021. Collection method: clinical testing. Allele origin: germline. Affected: yes.
Comment: Not observed at a significant frequency in large population cohorts (Lek et al., 2016); In silico analysis supports that this missense variant does not alter protein structure/function; Has not been previously published as pathogenic or benign to our knowledge